The following is an entry in ClinVar:

ClinVar aggregate classification (germline): Likely pathogenic (1 of 4 stars; one submission).

Conditions:
Cohen syndrome (COH1). Also called: PEPPER SYNDROME; Cutis verticis gyrata, retinitis pigmentosa, and sensorineural deafness. Identifiers: Orphanet 193, MedGen C0265223, MONDO:0008999, OMIM 216550.

Submission:

Natera, Inc.
Classification: Likely pathogenic for Cohen syndrome. Last evaluated: 2024-11-14. Review status: criteria provided, single submitter. Criteria: Natera Variant Classification Schema (03/2026). Collection method: clinical testing. Allele origin: germline.
Comment: The c.6798dup variant in VPS13B is a frameshift variant predicted to shift the reading frame and introduce a stop codon. This variant is expected to result in nonsense mediated decay, truncation, or a dysfunctional protein product. This variant is rare in the general population with a frequency below the threshold expected for the associated phenotype(s). Given the available evidence, this variant is classified as Likely Pathogenic.

NM_152564.5(VPS13B):c.6723dup (p.Asn2242Ter)

Gene: VPS13B (vacuolar protein sorting 13 homolog B; plus strand). Cytogenetic location: 8q22.2.
Variant type: Duplication.
Coding change: c.6723dup on transcript NM_152564.5 (MANE Select); coding-DNA position 6723, one base duplicated (T; older notation c.6723dupT).
Protein change: p.Asn2242Ter; replaces asparagine 2242 with a stop codon.
Molecular consequence: nonsense.
Genome position (GRCh38, 1-based): chr8:99,720,410, T duplicated; the last of 2 consecutive T bases (chr8:99,720,409-99,720,410); duplicating either gives the same sequence. VCF-style (leftmost placement, unchanged base first): chr8-99720408-C-CT. GRCh37 (hg19) VCF-style: chr8-100732636-C-CT.
Other names: c.6798dup, p.Asn2267Ter (NM_017890.5); short protein forms N2242*, N2267*.
Identifiers: ClinVar variation 4815967 (VCV004815967.1).